The following is an entry in ClinVar:

NM_007144.3(PCGF2):c.58C>A (p.Leu20Ile)

Gene: PCGF2 (polycomb group ring finger 2; minus strand). Cytogenetic location: 17q12.
Variant type: single nucleotide variant.
Coding change: c.58C>A on transcript NM_007144.3 (MANE Select); coding-DNA position 58, C replaced by A.
Protein change: p.Leu20Ile; replaces leucine 20 with isoleucine.
Molecular consequence: missense variant.
Genome position (GRCh38, 1-based): chr17:38,740,345, G>T on the plus strand (C>A on the coding strand, the complement: PCGF2 is on the minus strand). VCF-style: chr17-38740345-G-T. GRCh37 (hg19) VCF-style: chr17-36896598-G-T.
Other names: c.58C>A, p.Leu20Ile (NM_001369614.1, NM_001369615.1); short protein forms L20I.
Identifiers: ClinVar variation 5002525 (VCV005002525.1).

ClinVar aggregate classification (germline): Uncertain significance (1 of 4 stars; one submission).

Conditions:
PCGF2-related disorder. Also called: PCGF2-related condition.

gnomAD v4.1: 2 of 1,612,394 alleles (0.00012%); highest among the groups gnomAD compares: Non-Finnish European, 0.00017%; no homozygotes.

Submission:

PreventionGenetics, part of Exact Sciences
Classification: Uncertain significance for PCGF2-related condition. Last evaluated: 2025-07-26. Review status: criteria provided, single submitter. Criteria: ACMG Guidelines, 2015. Collection method: clinical testing. Allele origin: germline.
Comment: The PCGF2 c.58C>A variant is predicted to result in the amino acid substitution p.Leu20Ile. To our knowledge, this variant has not been reported in the literature or in a large population database (gnomAD), indicating this variant is rare. At this time, the clinical significance of this variant is uncertain due to the absence of conclusive functional and genetic evidence.